The following is an entry in ClinVar:

ClinVar aggregate classification (germline): Likely benign. Review status: criteria provided, multiple submitters, no conflicts (2 of 4 stars). 2 submissions from 2 submitters: Likely benign (2). Last evaluated 2023-12-10.

Conditions:
Familial thoracic aortic aneurysm and aortic dissection (TAAD). Also called: Thoracic aortic aneurysms and dissections. Identifiers: Orphanet 91387, MedGen C4707243, MONDO:0019625.

Allele frequency attached by ClinVar (database versions not stated): gnomAD exomes below 0.00001.
gnomAD v4.1: 1 of 1,211,281 alleles (0.000083%); highest among the groups gnomAD compares: Non-Finnish European, 0.00011%; no homozygotes.

Submissions (2):

Ambry Genetics
Classification: Likely benign for Familial thoracic aortic aneurysm and aortic dissection. Last evaluated: 2023-12-10. Review status: criteria provided, single submitter. Criteria: Ambry Variant Classification Scheme 2023. Collection method: clinical testing. Allele origin: germline.

GeneDx
Classification: Likely benign. Last evaluated: 2017-09-26. Review status: criteria provided, single submitter. Criteria: GeneDx Variant Classification (06012015). Collection method: clinical testing. Allele origin: germline. Affected: yes.
Comment: This variant is considered likely benign or benign based on one or more of the following criteria: it is a conservative change, it occurs at a poorly conserved position in the protein, it is predicted to be benign by multiple in silico algorithms, and/or has population frequency not consistent with disease.

NM_001110556.2(FLNA):c.2112G>A (p.Lys704=)

Gene: FLNA (filamin A; minus strand). Cytogenetic location: Xq28.
Variant type: single nucleotide variant.
Coding change: c.2112G>A on transcript NM_001110556.2 (MANE Select); coding-DNA position 2112, G replaced by A.
Protein change: p.Lys704=; no amino-acid change (lysine 704 retained).
Molecular consequence: synonymous variant.
Genome position (GRCh38, 1-based): chrX:154,364,283, C>T on the plus strand (G>A on the coding strand, the complement: FLNA is on the minus strand). VCF-style: chrX-154364283-C-T. GRCh37 (hg19) VCF-style: chrX-153592651-C-T.
Other names: c.2112G>A, p.Lys704= (NM_001456.4).
Identifiers: ClinVar variation 512328 (VCV000512328.2), dbSNP rs1557178670, ClinGen allele CA519709127.